The following is an entry in ClinVar:

ClinVar aggregate classification (germline): Uncertain significance (1 of 4 stars; one submission).

Submission:

ISCA site 4
Classification: Uncertain significance. Last evaluated: 2011-08-12. Review status: criteria provided, single submitter. Criteria: Kaminsky et al. (Genet Med. 2011). Collection method: clinical testing. Allele origin: maternal. Affected: yes. Observed: 1 variant allele.
Comment: Copy number variation identified through the course of routine clinical cytogenomic testing in postnatal populations. Clinical assertions have been curated as described in Kaminsky et al. 2011.

GRCh38/hg38 4q35.2(chr4:186218358-187484068)x3

Genes: F11 (coagulation factor XI; plus strand), F11-AS1 (F11 antisense RNA 1; minus strand), FAT1 (FAT atypical cadherin 1; minus strand), KLKB1 (kallikrein B1; plus strand), LINC02374 (long intergenic non-protein coding RNA 2374; plus strand) and 20 more. Cytogenetic location: 4q35.2.
Variant type: copy number gain.
Change: copy number 3 (three copies instead of two) of chr4:186,218,358-187,484,068 (1.27 Mb, GRCh38 coordinates, 1-based), cytogenetic band 4q35.2.
Identifiers: ClinVar variation 57003 (VCV000057003.1).